The following is an entry in ClinVar:

ClinVar aggregate classification (germline): Uncertain significance. Review status: criteria provided, multiple submitters, no conflicts (2 of 4 stars). 2 submissions from 2 submitters: Uncertain significance (2). Last evaluated 2025-10-02.

Conditions:
Inborn genetic diseases. Identifiers: MedGen C0950123, MeSH D030342.

Allele frequency attached by ClinVar (database versions not stated): gnomAD 0.00005; ESP Exome Variant Server 0.00008; ExAC 0.00002; TOPMed 0.00005.

Submissions (2):

Labcorp Genetics (formerly Invitae), Labcorp
Classification: Uncertain significance. Last evaluated: 2025-10-02. Review status: criteria provided, single submitter. Criteria: Invitae Variant Classification Sherloc (09022015). Collection method: clinical testing. Allele origin: germline.
Comment: This sequence change replaces lysine, which is basic and polar, with glutamic acid, which is acidic and polar, at codon 853 of the KMT2A protein (p.Lys853Glu). This variant is present in population databases (rs377739026, gnomAD 0.01%). This variant has not been reported in the literature in individuals affected with KMT2A-related conditions. ClinVar contains an entry for this variant (Variation ID: 2895020). Invitae Evidence Modeling of protein sequence and biophysical properties (such as structural, functional, and spatial information, amino acid conservation, physicochemical variation, residue mobility, and thermodynamic stability) indicates that this missense variant is not expected to disrupt KMT2A protein function with a negative predictive value of 95%. In summary, the available evidence is currently insufficient to determine the role of this variant in disease. Therefore, it has been classified as a Variant of Uncertain Significance.

Ambry Genetics
Classification: Uncertain significance for Inborn genetic diseases. Last evaluated: 2021-08-09. Review status: criteria provided, single submitter. Criteria: Ambry Variant Classification Scheme 2023. Collection method: clinical testing. Allele origin: germline.

NM_001197104.2(KMT2A):c.2557A>G (p.Lys853Glu)

Gene: KMT2A (lysine methyltransferase 2A; plus strand). Cytogenetic location: 11q23.3.
Variant type: single nucleotide variant.
Coding change: c.2557A>G on transcript NM_001197104.2 (MANE Select); coding-DNA position 2557, A replaced by G.
Protein change: p.Lys853Glu; replaces lysine 853 with glutamic acid.
Molecular consequence: missense variant.
Genome position (GRCh38, 1-based): chr11:118,473,716, A>G. VCF-style: chr11-118473716-A-G. GRCh37 (hg19) VCF-style: chr11-118344431-A-G.
Other names: c.2656A>G, p.Lys886Glu (NM_001412597.1); c.2557A>G, p.Lys853Glu (NM_005933.4); short protein forms K853E, K886E.
Identifiers: ClinVar variation 2895020 (VCV002895020.4), dbSNP rs377739026, ClinGen allele CA6303527.